The following is an entry in ClinVar:

NM_000342.4(SLC4A1):c.1283-3del

Gene: SLC4A1 (solute carrier family 4 member 1 (Diego blood group); minus strand). Cytogenetic location: 17q21.31.
Variant type: Deletion.
Coding change: c.1283-3del on transcript NM_000342.4 (MANE Select); 3 bases into the intron before coding-DNA position 1283, one base deleted (C; older notation c.1283-3delC).
Molecular consequence: intron variant.
Genome position (GRCh38, 1-based): chr17:44,257,810, G deleted on the plus strand (C on the coding strand, the reverse complement: SLC4A1 is on the minus strand). VCF-style (leftmost placement, unchanged base first): chr17-44257809-TG-T. GRCh37 (hg19) VCF-style: chr17-42335177-TG-T.
Identifiers: ClinVar variation 1703174 (VCV001703174.3), dbSNP rs2509966250, ClinGen allele CA2580093854.

ClinVar aggregate classification (germline): Uncertain significance (1 of 4 stars; one submission).

Submission:

Greenwood Genetic Center Diagnostic Laboratories, Greenwood Genetic Center
Classification: Uncertain significance. Last evaluated: 2022-04-29. Review status: criteria provided, single submitter. Criteria: ACMG Guidelines, 2015. Collection method: clinical testing. Allele origin: germline. Affected: yes.
Comment: PM2, PP3